The following is an entry in ClinVar:

ClinVar aggregate classification (germline): Likely benign (1 of 4 stars; one submission).

Conditions:
Breast-ovarian cancer, familial, susceptibility to, 2 (BROVCA2). Also called: BRCA2 Hereditary Breast and Ovarian Cancer. Identifiers: Orphanet 145, MedGen C2675520, MONDO:0012933, OMIM 612555. Disease mechanism: loss of function.

gnomAD v4.1: 3 of 1,613,972 alleles (0.00019%); highest among the groups gnomAD compares: South Asian, 0.0033%; no homozygotes.

Submission:

Cancer Bioinformatics and Tumour Evolution Laboratory, Monash University
Classification: Likely benign for Breast-ovarian cancer, familial, susceptibility to, 2. Last evaluated: 2026-05-01. Review status: criteria provided, single submitter. Criteria: ClinGen BRCA1 and BRCA2 Guidelines, 2024. Collection method: curation. Allele origin: germline. Inheritance: Autosomal dominant inheritance.
Comment: Missense variant outside of a functional domain with no splice impact. BRCA1 and BRCA2 VCEP guidelines recommend application of BP1_Strong (PMID: 39142283)

NM_000059.4(BRCA2):c.7231A>G (p.Lys2411Glu)

Gene: BRCA2 (BRCA2 DNA repair associated; plus strand). Cytogenetic location: 13q13.1.
Variant type: single nucleotide variant.
Coding change: c.7231A>G on transcript NM_000059.4 (MANE Select); coding-DNA position 7231, A replaced by G.
Protein change: p.Lys2411Glu; replaces lysine 2411 with glutamic acid.
Molecular consequence: missense variant. On other transcripts: non-coding transcript variant (1).
Genome position (GRCh38, 1-based): chr13:32,355,084, A>G. VCF-style: chr13-32355084-A-G. GRCh37 (hg19) VCF-style: chr13-32929221-A-G.
Other names: c.7135A>G, p.Lys2379Glu (NM_001406719.1); c.7231A>G, p.Lys2411Glu (NM_001406720.1, NM_001432077.1); c.2299A>G, p.Lys767Glu (NM_001406721.1); c.814A>G, p.Lys272Glu (NM_001406722.1); short protein forms K2379E, K2411E, K272E, K767E.
Identifiers: ClinVar variation 4856445 (VCV004856445.1).
Genomic context (GRCh38, chr13:32,355,084, plus strand): 5'-GAAAAAATGAGACACTTGATTACTACAGGCAGACCAACCAAAGTCTTTGTTCCACCTTTT[A>G]AAACTAAATCACATTTTCACAGAGTTGAACAGTGTGTTAGGAATATTAACTTGGAGGAAA-3'
Protein context (NP_000050.3, residues 2401-2421): RPTKVFVPPF[Lys2411Glu]TKSHFHRVEQ